The following is an entry in ClinVar:

ClinVar aggregate classification (germline): Uncertain significance (1 of 4 stars; one submission).

Conditions:
Axenfeld-Rieger syndrome type 3 (RIEG3). Also called: AXENFELD-RIEGER ANOMALY WITH CARDIAC DEFECTS AND/OR SENSORINEURAL HEARING LOSS. Identifiers: Orphanet 782, MedGen C2678503, MONDO:0011233, OMIM 602482.

Allele frequency attached by ClinVar (database versions not stated): gnomAD exomes 0.00001.

Submission:

Labcorp Genetics (formerly Invitae), Labcorp
Classification: Uncertain significance for Axenfeld-Rieger syndrome type 3. Last evaluated: 2024-11-11. Review status: criteria provided, single submitter. Criteria: Invitae Variant Classification Sherloc (09022015). Collection method: clinical testing. Allele origin: germline.
Comment: This sequence change replaces glycine, which is neutral and non-polar, with serine, which is neutral and polar, at codon 351 of the FOXC1 protein (p.Gly351Ser). This variant is not present in population databases (gnomAD no frequency). This variant has not been reported in the literature in individuals affected with FOXC1-related conditions. ClinVar contains an entry for this variant (Variation ID: 1972476). An algorithm developed to predict the effect of missense changes on protein structure and function outputs the following: PolyPhen-2: "Benign". The serine amino acid residue is found in multiple mammalian species, which suggests that this missense change does not adversely affect protein function. In summary, the available evidence is currently insufficient to determine the role of this variant in disease. Therefore, it has been classified as a Variant of Uncertain Significance.

NM_001453.3(FOXC1):c.1051G>A (p.Gly351Ser)

Gene: FOXC1 (forkhead box C1; plus strand). Cytogenetic location: 6p25.3.
Variant type: single nucleotide variant.
Coding change: c.1051G>A on transcript NM_001453.3 (MANE Select); coding-DNA position 1051, G replaced by A.
Protein change: p.Gly351Ser; replaces glycine 351 with serine.
Molecular consequence: missense variant.
Genome position (GRCh38, 1-based): chr6:1,611,496, G>A. VCF-style: chr6-1611496-G-A. GRCh37 (hg19) VCF-style: chr6-1611731-G-A.
Other names: short protein forms G351S.
Identifiers: ClinVar variation 1972476 (VCV001972476.5), dbSNP rs897755884, ClinGen allele CA362560110.